The following is an entry in ClinVar:

ClinVar aggregate classification (germline): Likely benign. Review status: criteria provided, single submitter (1 of 4 stars). 2 submissions from 2 submitters: Likely benign (1). 1 of the submissions does not count toward it. Last evaluated 2026-08-01.

Conditions:
HDC-related disorder. Also called: HDC-related condition.

Allele frequency attached by ClinVar (database versions not stated): TOPMed 0.00026; gnomAD 0.00027; 1000 Genomes Project 30x 0.00031; ExAC 0.00035; ESP Exome Variant Server 0.00039; 1000 Genomes Project 0.00040; gnomAD exomes 0.00096.
gnomAD v4.1: 1,428 of 1,614,242 alleles (0.088%); highest among the groups gnomAD compares: South Asian, 0.13%; 2 homozygotes.

Submissions (2):

CeGaT Center for Human Genetics Tuebingen
Classification: Likely benign. Last evaluated: 2026-08-01. Review status: criteria provided, single submitter. Criteria: CeGaT Center For Human Genetics Tuebingen Variant Classification Criteria Version 2. Collection method: clinical testing. Allele origin: germline. Affected: yes. Observed: 2 variant alleles.
Comment: HDC: BP4, BP7

PreventionGenetics, part of Exact Sciences
Classification: Likely benign for HDC-related condition. Last evaluated: 2019-11-06. Review status: no assertion criteria provided. Collection method: clinical testing. Allele origin: germline. Not counted in ClinVar's aggregate classification.
Comment: This variant is classified as likely benign based on ACMG/AMP sequence variant interpretation guidelines (Richards et al. 2015 PMID: 25741868, with internal and published modifications).

NM_002112.4(HDC):c.75G>A (p.Val25=)

Gene: HDC (histidine decarboxylase; minus strand). Cytogenetic location: 15q21.2.
Variant type: single nucleotide variant.
Coding change: c.75G>A on transcript NM_002112.4 (MANE Select); coding-DNA position 75, G replaced by A.
Protein change: p.Val25=; no amino-acid change (valine 25 retained).
Molecular consequence: synonymous variant.
Genome position (GRCh38, 1-based): chr15:50,263,364, C>T on the plus strand (G>A on the coding strand, the complement: HDC is on the minus strand). VCF-style: chr15-50263364-C-T. GRCh37 (hg19) VCF-style: chr15-50555561-C-T.
Other names: c.75G>A (NM_002112.3); c.75G>A, p.Val25= (NM_001306146.2).
Identifiers: ClinVar variation 2645326 (VCV002645326.25), dbSNP rs140958918, ClinGen allele CA7554976.
Genomic context (GRCh38, chr15:50,263,364, plus strand): 5'-CTCAGGCAGCTGGGCTCGCAGGTAGCCAGGCTGCACGTCTGGCGTCACACGTCTCTCCCG[C>T]ACAGTGCTCAGGTACTGGCAGATGTAATCCACCATCTCTCTCCCTAGAAGTGACATAGAG-3'
Protein context (NP_002103.2, residues 15-35): VDYICQYLST[Val25=]RERRVTPDVQ